The following is an entry in ClinVar:

ClinVar aggregate classification (germline): Uncertain significance. Review status: criteria provided, multiple submitters, no conflicts (2 of 4 stars). 2 submissions from 2 submitters: Uncertain significance (2). Last evaluated 2025-07-01.

Conditions:
EPILEPSY, CHILDHOOD ABSENCE, SUSCEPTIBILITY TO, 2 (ECA2). Identifiers: Orphanet 64280, MedGen C1843244, OMIM 607681.

Allele frequency attached by ClinVar (database versions not stated): gnomAD 0.00001; TOPMed 0.00001.

Submissions (2):

CeGaT Center for Human Genetics Tuebingen
Classification: Uncertain significance. Last evaluated: 2025-07-01. Review status: criteria provided, single submitter. Criteria: CeGaT Center For Human Genetics Tuebingen Variant Classification Criteria Version 2. Collection method: clinical testing. Allele origin: germline. Affected: yes. Observed: 1 variant allele.
Comment: GABRG2: PM2, BP4

Illumina Laboratory Services, Illumina
Classification: Uncertain significance for Febrile seizures, familial, 8. Last evaluated: 2018-01-13. Review status: criteria provided, single submitter. Criteria: ICSL Variant Classification Criteria 13 December 2019. Collection method: clinical testing. Allele origin: germline.

NM_000816.3(GABRG2):c.-355A>C

Gene: GABRG2 (gamma-aminobutyric acid type A receptor subunit gamma2; plus strand). Cytogenetic location: 5q34.
Variant type: single nucleotide variant.
Coding change: c.-355A>C on transcript NM_000816.3; 355 bases upstream of the start codon, A replaced by C.
Molecular consequence: 5 prime UTR variant. On other transcripts: intron variant (3).
Genome position (GRCh38, 1-based): chr5:162,067,645, A>C. VCF-style: chr5-162067645-A-C. GRCh37 (hg19) VCF-style: chr5-161494651-A-C.
Other names: c.-713A>C (NM_001375348.1, NM_001375350.1); c.-761A>C (NM_001375349.1); c.-355A>C (NM_198903.2, NM_001375339.1, NM_001375340.1 and 4 more transcripts); c.-4+4A>C (NM_001375346.1, NM_001375345.1); c.20+4A>C (NM_001375347.1).
Identifiers: ClinVar variation 907702 (VCV000907702.14), dbSNP rs1241101902, ClinGen allele CA806670306.